The following is an entry in ClinVar:

NM_005068.3(SIM1):c.1290C>T (p.His430=)

Genes: SIM1 (SIM bHLH transcription factor 1; minus strand), SIM1-AS1 (SIM1 antisense RNA 1; plus strand). Cytogenetic location: 6q16.3.
Variant type: single nucleotide variant.
Coding change: c.1290C>T on transcript NM_005068.3 (MANE Select); coding-DNA position 1290, C replaced by T.
Protein change: p.His430=; no amino-acid change (histidine 430 retained).
Molecular consequence: synonymous variant. On other transcripts: non-coding transcript variant (1).
Genome position (GRCh38, 1-based): chr6:100,393,767, G>A on the plus strand (C>T on the coding strand, the complement: SIM1 is on the minus strand). VCF-style: chr6-100393767-G-A. GRCh37 (hg19) VCF-style: chr6-100841643-G-A.
Other names: c.1290C>T, p.His430= (NM_001374769.1).
Identifiers: ClinVar variation 4985258 (VCV004985258.1).

ClinVar aggregate classification (germline): Likely benign (1 of 4 stars; one submission).

Conditions:
SIM1-related disorder. Also called: SIM1-related disorders; SIM1-related condition.

Submission:

PreventionGenetics, part of Exact Sciences
Classification: Likely benign for SIM1-related condition. Last evaluated: 2026-04-15. Review status: criteria provided, single submitter. Criteria: ACMG Guidelines, 2015. Collection method: clinical testing. Allele origin: germline.
Comment: This variant is classified as likely benign based on ACMG/AMP sequence variant interpretation guidelines (Richards et al. 2015 PMID: 25741868, with internal and published modifications).